The following is an entry in ClinVar:

NM_001037333.3(CYFIP2):c.2270del (p.Leu757fs)

Gene: CYFIP2 (cytoplasmic FMR1 interacting protein 2; plus strand). Cytogenetic location: 5q33.3.
Variant type: Deletion.
Coding change: c.2270del on transcript NM_001037333.3 (MANE Select); coding-DNA position 2270, one base deleted (T; older notation c.2270delT).
Protein change: p.Leu757fs; shifts the reading frame from leucine 757.
Molecular consequence: frameshift variant.
Genome position (GRCh38, 1-based): chr5:157,333,331, T deleted; the last of 2 consecutive T bases (chr5:157,333,330-157,333,331); deleting either gives the same sequence. VCF-style (leftmost placement, unchanged base first): chr5-157333329-GT-G. GRCh37 (hg19) VCF-style: chr5-156760337-GT-G.
Other names: c.2192del, p.Leu731fs (NM_001291721.2); c.2345del, p.Leu782fs (NM_001291722.2); c.2270del, p.Leu757fs (NM_014376.4); short protein forms L782fs, L757fs, L731fs.
Identifiers: ClinVar variation 2739454 (VCV002739454.3), dbSNP rs2532455437, ClinGen allele CA2697546559.

ClinVar aggregate classification (germline): Uncertain significance (1 of 4 stars; one submission).

Submission:

Labcorp Genetics (formerly Invitae), Labcorp
Classification: Uncertain significance. Last evaluated: 2023-07-09. Review status: criteria provided, single submitter. Criteria: Invitae Variant Classification Sherloc (09022015). Collection method: clinical testing. Allele origin: germline.
Comment: This sequence change creates a premature translational stop signal (p.Leu757Trpfs*7) in the CYFIP2 gene. It is expected to result in an absent or disrupted protein product. However, the current clinical and genetic evidence is not sufficient to establish whether loss-of-function variants in CYFIP2 cause disease. This variant is not present in population databases (gnomAD no frequency). This variant has not been reported in the literature in individuals affected with CYFIP2-related conditions. In summary, the available evidence is currently insufficient to determine the role of this variant in disease. Therefore, it has been classified as a Variant of Uncertain Significance.